The following is an entry in ClinVar:

ClinVar aggregate classification (germline): Pathogenic (1 of 4 stars; one submission).

Conditions:
Osteogenesis imperfecta type I (OI1). Also called: Lobstein disease; OI, TYPE I; OSTEOGENESIS IMPERFECTA TARDA; OSTEOGENESIS IMPERFECTA WITH BLUE SCLERAE; Lobstein's Disease; Classic Non-deforming Osteogenesis Imperfecta with Blue Sclerae. Identifiers: Orphanet 216796, Orphanet 666, MedGen C0023931, MONDO:0008146, OMIM 166200. Disease mechanism: loss of function.

Submission:

Labcorp Genetics (formerly Invitae), Labcorp
Classification: Pathogenic for Osteogenesis imperfecta type I. Last evaluated: 2021-04-21. Review status: criteria provided, single submitter. Criteria: Invitae Variant Classification Sherloc (09022015). Collection method: clinical testing. Allele origin: germline.
Comment: For these reasons, this variant has been classified as Pathogenic. Glycine residues within the Gly-Xaa-Yaa repeats of the triple helix domain are required for the structure and stability of fibrillar collagens (PMID: 7695699, 8218237, 19344236). In COL1A1, missense variants at these glycine residues are significantly enriched in individuals with disease (PMID: 9016532, 17078022) compared to the general population (ExAC). Advanced modeling of protein sequence and biophysical properties (such as structural, functional, and spatial information, amino acid conservation, physicochemical variation, residue mobility, and thermodynamic stability) performed at Invitae indicates that this missense variant is expected to disrupt COL1A1 protein function. This missense change has been observed in individual(s) with osteogenesis imperfecta (PMID: 31447884, Invitae). This variant is not present in population databases (ExAC no frequency). This sequence change replaces glycine with arginine at codon 257 of the COL1A1 protein (p.Gly257Arg). The glycine residue is highly conserved and there is a moderate physicochemical difference between glycine and arginine.

Literature cited by the submitters: PubMed 7695699; PubMed 8218237; PubMed 19344236; PubMed 9016532; PubMed 17078022; PubMed 31447884.

NM_000088.4(COL1A1):c.769G>C (p.Gly257Arg)

Genes: COL1A1 (collagen type I alpha 1 chain; minus strand), LOC126862586 (CDK7 strongly-dependent group 2 enhancer GRCh37_chr17:48273702-48274901; plus strand). Cytogenetic location: 17q21.33.
Variant type: single nucleotide variant.
Coding change: c.769G>C on transcript NM_000088.4 (MANE Select); coding-DNA position 769, G replaced by C.
Protein change: p.Gly257Arg; replaces glycine 257 with arginine.
Molecular consequence: missense variant.
Genome position (GRCh38, 1-based): chr17:50,197,045, C>G on the plus strand (G>C on the coding strand, the complement: COL1A1 is on the minus strand). VCF-style: chr17-50197045-C-G. GRCh37 (hg19) VCF-style: chr17-48274406-C-G.
Other names: short protein forms G257R.
Identifiers: ClinVar variation 1451481 (VCV001451481.8), dbSNP rs72645321, ClinGen allele CA400223887.